The following is an entry in ClinVar:

NM_001354604.2(MITF):c.763-1G>A

Gene: MITF (melanocyte inducing transcription factor; plus strand). Cytogenetic location: 3p13.
Variant type: single nucleotide variant.
Coding change: c.763-1G>A on transcript NM_001354604.2 (MANE Select); the canonical splice acceptor site of the intron before coding-DNA position 763, G replaced by A.
Molecular consequence: splice acceptor variant.
Genome position (GRCh38, 1-based): chr3:69,949,050, G>A. VCF-style: chr3-69949050-G-A. GRCh37 (hg19) VCF-style: chr3-69998201-G-A.
Other names: c.712-1G>A (NM_001354607.2); c.607-1G>A (NM_001354608.2, NM_001184967.2); c.763-1G>A (NM_198159.3); c.760-1G>A (NM_001354605.2, NM_001354606.2, NM_006722.3); c.715-1G>A (NM_198177.3); c.442-1G>A (NM_000248.4, NM_198158.3); c.274-1G>A (NM_198178.3).
Identifiers: ClinVar variation 3601247 (VCV003601247.1).

ClinVar aggregate classification (germline): Pathogenic (1 of 4 stars; one submission).

Conditions:
Waardenburg syndrome type 2A (WS2A). Also called: WAARDENBURG SYNDROME WITHOUT DYSTOPIA CANTHORUM. Identifiers: Orphanet 3440, MedGen C1860339, MONDO:0008671, OMIM 193510.

Submission:

Institute of Rare Diseases, West China Hospital, Sichuan University
Classification: Pathogenic for Waardenburg syndrome type 2A. Last evaluated: 2025-01-09. Review status: criteria provided, single submitter. Criteria: ClinGen HL ACMG Specifications v1. Collection method: research. Allele origin: germline. Affected: yes.
Comment: PM1;PVS1;PM2_Supporting